The following is an entry in ClinVar:

ClinVar aggregate classification (germline): Uncertain significance (1 of 4 stars; one submission).

Conditions:
Neurofibromatosis, type 2 (SWNV). Also called: BILATERAL ACOUSTIC NEUROFIBROMATOSIS; SCHWANNOMATOSIS, VESTIBULAR; NF2-Related Schwannomatosis. Identifiers: Orphanet 637, MedGen C0027832, MONDO:0007039, OMIM 101000. Disease mechanism: loss of function.

Submission:

Labcorp Genetics (formerly Invitae), Labcorp
Classification: Uncertain significance for Neurofibromatosis, type 2. Last evaluated: 2024-05-29. Review status: criteria provided, single submitter. Criteria: Invitae Variant Classification Sherloc (09022015). Collection method: clinical testing. Allele origin: germline.
Comment: This sequence change falls in intron 14 of the NF2 gene. It does not directly change the encoded amino acid sequence of the NF2 protein. It affects a nucleotide within the consensus splice site. This variant is not present in population databases (gnomAD no frequency). This variant has not been reported in the literature in individuals affected with NF2-related conditions. Variants that disrupt the consensus splice site are a relatively common cause of aberrant splicing (PMID: 17576681, 9536098). Algorithms developed to predict the effect of sequence changes on RNA splicing suggest that this variant may disrupt the consensus splice site. In summary, the available evidence is currently insufficient to determine the role of this variant in disease. Therefore, it has been classified as a Variant of Uncertain Significance.

Literature cited by the submitters: PubMed 17576681; PubMed 9536098.

NM_000268.4(NF2):c.1574+5del

Gene: NF2 (NF2, moesin-ezrin-radixin like (MERLIN) tumor suppressor; plus strand). Cytogenetic location: 22q12.2.
Variant type: Deletion.
Coding change: c.1574+5del on transcript NM_000268.4 (MANE Select); 5 bases into the intron after coding-DNA position 1574, one base deleted (G; older notation c.1574+5delG).
Molecular consequence: intron variant.
Genome position (GRCh38, 1-based): chr22:29,678,328, G deleted. VCF-style (leftmost placement, unchanged base first): chr22-29678327-TG-T. GRCh37 (hg19) VCF-style: chr22-30074316-TG-T.
Other names: c.1574+5del (NM_016418.5, NM_181832.3, NM_001407060.1 and 2 more transcripts); c.1460+5del (NM_001407056.1, NM_001407053.1); c.1343+5del (NM_001407067.1); c.1040+5del (NM_001407065.1); c.1439+5del (NM_001407059.1, NM_001407057.1); c.448-16424del (NM_181833.3); c.1451+5del (NM_001407058.1, NM_181829.3, NM_001407054.1); c.1316+5del (NM_001407062.1); and 2 more.
Identifiers: ClinVar variation 3655075 (VCV003655075.2).